The following is an entry in ClinVar:

ClinVar aggregate classification (germline): Benign/Likely benign. Review status: criteria provided, multiple submitters, no conflicts (2 of 4 stars). 3 submissions from 3 submitters: Benign (1); Likely benign (1). 1 of the submissions does not count toward it. Last evaluated 2025-12-03.

Conditions:
CSF2RA-related disorder. Also called: CSF2RA-related condition.
Surfactant metabolism dysfunction, pulmonary, 4 (SMDP4). Also called: PAP DUE TO CSF2RA DEFICIENCY; PULMONARY ALVEOLAR PROTEINOSIS, CONGENITAL, 4; CSF2RA DEFICIENCY. Identifiers: Orphanet 264675, MedGen C2677877, MONDO:0010424, OMIM 300770.

Allele frequency attached by ClinVar (database versions not stated): gnomAD exomes 0.00011 and 0.00033; ExAC 0.00035; 1000 Genomes Project 0.00079; 1000 Genomes Project 30x 0.00083; gnomAD 0.00109 and 0.00123; ESP Exome Variant Server 0.00131; TOPMed 0.00140.
gnomAD v4.1: 337 of 1,613,620 alleles (0.021%); highest among the groups gnomAD compares: African/African-American, 0.4%; no homozygotes.

Submissions (3):

Labcorp Genetics (formerly Invitae), Labcorp
Classification: Benign for Surfactant metabolism dysfunction, pulmonary, 4. Last evaluated: 2025-12-03. Review status: criteria provided, single submitter. Criteria: Invitae Variant Classification Sherloc (09022015). Collection method: clinical testing. Allele origin: germline.

Blueprint Genetics
Classification: Likely benign. Last evaluated: 2024-09-13. Review status: criteria provided, single submitter. Criteria: ACMG Guidelines, 2015. Collection method: clinical testing. Allele origin: germline.

PreventionGenetics, part of Exact Sciences
Classification: Likely benign for CSF2RA-related condition. Last evaluated: 2023-04-24. Review status: no assertion criteria provided. Collection method: clinical testing. Allele origin: germline. Not counted in ClinVar's aggregate classification.
Comment: This variant is classified as likely benign based on ACMG/AMP sequence variant interpretation guidelines (Richards et al. 2015 PMID: 25741868, with internal and published modifications).

NM_172245.4(CSF2RA):c.540G>A (p.Leu180=)

Gene: CSF2RA (colony stimulating factor 2 receptor subunit alpha; plus strand). Cytogenetic location: Xp22.33.
Variant type: single nucleotide variant.
Coding change: c.540G>A on transcript NM_172245.4 (MANE Select); coding-DNA position 540, G replaced by A.
Protein change: p.Leu180=; no amino-acid change (leucine 180 retained).
Molecular consequence: synonymous variant. On other transcripts: non-coding transcript variant (1).
Genome position (GRCh38, 1-based): chrX:1,290,403, G>A. VCF-style: chrX-1290403-G-A. GRCh37 (hg19) VCF-style: chrX-1409296-G-A.
Other names: c.540G>A, p.Leu180= (NM_001161529.2, NM_001161530.2, NM_001161531.2 and 20 more transcripts); c.141G>A, p.Leu47= (NM_001161532.2).
Identifiers: ClinVar variation 537344 (VCV000537344.15), dbSNP rs112441738, ClinGen allele CA10330858.